The following is an entry in ClinVar:

ClinVar aggregate classification (germline): Likely benign (0 of 4 stars; one submission).

Conditions:
ASXL3-related disorder. Also called: ASXL3-related condition. Identifiers: MedGen CN381524.

Allele frequency attached by ClinVar (database versions not stated): gnomAD 0.00001; gnomAD exomes 0.00002; ExAC 0.00004; TOPMed 0.00005.
gnomAD v4.1: 24 of 1,478,722 alleles (0.0016%); highest among the groups gnomAD compares: Admixed American, 0.026%; 1 homozygote.

Submission:

PreventionGenetics, part of Exact Sciences
Classification: Likely benign for ASXL3-related condition. Last evaluated: 2022-08-02. Review status: no assertion criteria provided. Collection method: clinical testing. Allele origin: germline.
Comment: This variant is classified as likely benign based on ACMG/AMP sequence variant interpretation guidelines (Richards et al. 2015 PMID: 25741868, with internal and published modifications).

NM_030632.3(ASXL3):c.246+10A>G

Gene: ASXL3 (ASXL transcriptional regulator 3; plus strand). Cytogenetic location: 18q12.1.
Variant type: single nucleotide variant.
Coding change: c.246+10A>G on transcript NM_030632.3 (MANE Select); 10 bases into the intron after coding-DNA position 246, A replaced by G.
Molecular consequence: intron variant.
Genome position (GRCh38, 1-based): chr18:33,645,012, A>G. VCF-style: chr18-33645012-A-G. GRCh37 (hg19) VCF-style: chr18-31224976-A-G.
Identifiers: ClinVar variation 3029592 (VCV003029592.2), dbSNP rs753502146, ClinGen allele CA8933483.